The following is an entry in ClinVar:

ClinVar aggregate classification (germline): Likely benign. Review status: criteria provided, multiple submitters, no conflicts (2 of 4 stars). 3 submissions from 3 submitters: Likely benign (2). 1 of the submissions does not count toward it. Last evaluated 2026-01-24.

Conditions:
NYX-related disorder. Also called: NYX-related condition.

Allele frequency attached by ClinVar (database versions not stated): ExAC 0.00041; 1000 Genomes Project 0.00053; gnomAD 0.00075 and 0.00082; 1000 Genomes Project 30x 0.00083.
gnomAD v4.1: 174 of 1,196,396 alleles (0.015%); highest among the groups gnomAD compares: African/African-American, 0.27%; no homozygotes.

Submissions (3):

Labcorp Genetics (formerly Invitae), Labcorp
Classification: Likely benign. Last evaluated: 2026-01-24. Review status: criteria provided, single submitter. Criteria: Invitae Variant Classification Sherloc (09022015). Collection method: clinical testing. Allele origin: germline.

Blueprint Genetics
Classification: Likely benign. Last evaluated: 2024-11-26. Review status: criteria provided, single submitter. Criteria: ACMG Guidelines, 2015. Collection method: clinical testing. Allele origin: germline.

PreventionGenetics, part of Exact Sciences
Classification: Likely benign for NYX-related condition. Last evaluated: 2024-08-15. Review status: no assertion criteria provided. Collection method: clinical testing. Allele origin: germline. Not counted in ClinVar's aggregate classification.
Comment: This variant is classified as likely benign based on ACMG/AMP sequence variant interpretation guidelines (Richards et al. 2015 PMID: 25741868, with internal and published modifications).

NM_001378477.3(NYX):c.1315G>C (p.Asp439His)

Gene: NYX (nyctalopin; plus strand). Cytogenetic location: Xp11.4.
Variant type: single nucleotide variant.
Coding change: c.1315G>C on transcript NM_001378477.3 (MANE Select); coding-DNA position 1315, G replaced by C.
Protein change: p.Asp439His; replaces aspartic acid 439 with histidine.
Molecular consequence: missense variant.
Genome position (GRCh38, 1-based): chrX:41,474,783, G>C. VCF-style: chrX-41474783-G-C. GRCh37 (hg19) VCF-style: chrX-41334036-G-C.
Other names: c.1315G>C, p.Asp439His (NM_022567.3); c.1330G>C (NM_022567.2); short protein forms D439H.
Identifiers: ClinVar variation 1124868 (VCV001124868.9), dbSNP rs34181799, ClinGen allele CA10389942.
Genomic context (GRCh38, chrX:41,474,783, plus strand): 5'-AGGGTCCCGGTGGAGGAGGCGGCCAACACCACTGGGGGGCTGGCCAACGCCTCCCTGTCC[G>C]ACAGCCTCTCCTCCCGTGGGGTGGGAGGCGCGGGCCGGCAGCCCTGGTTTCTCCTCGCCT-3'
Protein context (NP_001365406.2, residues 429-449): TGGLANASLS[Asp439His]SLSSRGVGGA